The following is an entry in ClinVar:

NM_014727.3(KMT2B):c.5924C>T (p.Pro1975Leu)

Gene: KMT2B (lysine methyltransferase 2B; plus strand). Cytogenetic location: 19q13.12.
Variant type: single nucleotide variant.
Coding change: c.5924C>T on transcript NM_014727.3 (MANE Select); coding-DNA position 5924, C replaced by T.
Protein change: p.Pro1975Leu; replaces proline 1975 with leucine.
Molecular consequence: missense variant.
Genome position (GRCh38, 1-based): chr19:35,732,473, C>T. VCF-style: chr19-35732473-C-T. GRCh37 (hg19) VCF-style: chr19-36223374-C-T.
Other names: short protein forms P1975L.
Identifiers: ClinVar variation 3384510 (VCV003384510.1).

ClinVar aggregate classification (germline): Uncertain significance (1 of 4 stars; one submission).

gnomAD v4.1: 1 of 1,613,916 alleles (0.000062%); highest among the groups gnomAD compares: East Asian, 0.0022%; no homozygotes.

Submission:

GeneDx
Classification: Uncertain significance. Last evaluated: 2024-06-02. Review status: criteria provided, single submitter. Criteria: GeneDx Variant Classification Process June 2021. Collection method: clinical testing. Allele origin: germline. Affected: yes.
Comment: Not observed at significant frequency in large population cohorts (gnomAD); In silico analysis supports that this missense variant has a deleterious effect on protein structure/function; Has not been previously published as pathogenic or benign to our knowledge.